The following is an entry in ClinVar:

NM_015512.5(DNAH1):c.8360A>G (p.Lys2787Arg)

Gene: DNAH1 (dynein axonemal heavy chain 1; plus strand). Cytogenetic location: 3p21.1.
Variant type: single nucleotide variant.
Coding change: c.8360A>G on transcript NM_015512.5 (MANE Select); coding-DNA position 8360, A replaced by G.
Protein change: p.Lys2787Arg; replaces lysine 2787 with arginine.
Molecular consequence: missense variant.
Genome position (GRCh38, 1-based): chr3:52,384,823, A>G. VCF-style: chr3-52384823-A-G. GRCh37 (hg19) VCF-style: chr3-52418839-A-G.
Other names: short protein forms K2787R.
Identifiers: ClinVar variation 2416398 (VCV002416398.7), dbSNP rs2471268224, ClinGen allele CA353187198.

ClinVar aggregate classification (germline): Uncertain significance (1 of 4 stars; one submission).

Conditions:
Spermatogenic failure 18. Identifiers: MedGen C4539783, MONDO:0054615, OMIM 617576.
Ciliary dyskinesia, primary, 37 (CILD37). Also called: CILIARY DYSKINESIA, PRIMARY, 37, WITH OR WITHOUT SITUS INVERSUS. Identifiers: MedGen C4539798, MONDO:0033204, OMIM 617577.

Allele frequency attached by ClinVar (database versions not stated): gnomAD exomes below 0.00001.

Submission:

Labcorp Genetics (formerly Invitae), Labcorp
Classification: Uncertain significance for Ciliary dyskinesia, primary, 37; Spermatogenic failure 18. Last evaluated: 2022-02-13. Review status: criteria provided, single submitter. Criteria: Invitae Variant Classification Sherloc (09022015). Collection method: clinical testing. Allele origin: germline.
Comment: Algorithms developed to predict the effect of missense changes on protein structure and function output the following: SIFT: "Tolerated"; PolyPhen-2: "Benign"; Align-GVGD: "Class C0". The arginine amino acid residue is found in multiple mammalian species, which suggests that this missense change does not adversely affect protein function. In summary, the available evidence is currently insufficient to determine the role of this variant in disease. Therefore, it has been classified as a Variant of Uncertain Significance. Algorithms developed to predict the effect of sequence changes on RNA splicing suggest that this variant may create or strengthen a splice site. This variant has not been reported in the literature in individuals affected with DNAH1-related conditions. This variant is not present in population databases (gnomAD no frequency). This sequence change replaces lysine, which is basic and polar, with arginine, which is basic and polar, at codon 2787 of the DNAH1 protein (p.Lys2787Arg).